The following is an entry in ClinVar:

NM_152564.5(VPS13B):c.3737_3738dup (p.Asn1247fs)

Gene: VPS13B (vacuolar protein sorting 13 homolog B; plus strand). Cytogenetic location: 8q22.2.
Variant type: Microsatellite.
Coding change: c.3737_3738dup on transcript NM_152564.5 (MANE Select); coding-DNA positions 3737 to 3738, 2 bases duplicated (TC; older notation c.3737_3738dupTC).
Protein change: p.Asn1247fs; shifts the reading frame from asparagine 1247.
Molecular consequence: frameshift variant.
Genome position (GRCh38, 1-based): chr8:99,481,669-99,481,670, TC duplicated; duplicating any 2 consecutive bases within chr8:99,481,667-99,481,670 gives the same sequence; the c. name uses the placement nearest the transcript's 3' end. VCF-style (leftmost placement, unchanged base first): chr8-99481666-A-ATC. GRCh37 (hg19) VCF-style: chr8-100493894-A-ATC.
Other names: c.3737_3738dup, p.Asn1247fs (NM_017890.5); short protein forms N1247fs.
Identifiers: ClinVar variation 5007362 (VCV005007362.2).
Genomic context (GRCh38, chr8:99,481,666, plus strand): 5'-TCTTCTATGAACTAACTGATATCATGAATAAGGTCTGGAACAAGATTCAGAAGAGAGGCA[A>ATC]TCTCAACCTATCTCCAACCTCTCCAGAGACCATGGCAGGGCCTGTTCCTACTTCTCCAGT-3'

ClinVar aggregate classification (germline): Likely pathogenic (1 of 4 stars; one submission).

Conditions:
Cohen syndrome (COH1). Also called: PEPPER SYNDROME; Cutis verticis gyrata, retinitis pigmentosa, and sensorineural deafness. Identifiers: Orphanet 193, MedGen C0265223, MONDO:0008999, OMIM 216550.

Submission:

Juno Genomics, Hangzhou Juno Genomics, Inc
Classification: Likely pathogenic for Cohen syndrome. Review status: criteria provided, single submitter. Criteria: ACMG Guidelines, 2015. Collection method: clinical testing. Allele origin: germline.
Comment: Null variant in a gene where loss of function (LOF) is a known mechanism of disease.;Absent from controls (or at extremely low frequency if recessive) in Genome Aggregation Database.